The following is an entry in ClinVar:

ClinVar aggregate classification (germline): Likely pathogenic. Review status: criteria provided, single submitter (1 of 4 stars). 3 submissions from 2 submitters: Likely pathogenic (1). 2 of the submissions do not count toward it. Last evaluated 2026-09-08.

Conditions:
Fabry disease. Also called: ALPHA-GALACTOSIDASE A DEFICIENCY; ANDERSON-FABRY DISEASE; CERAMIDE TRIHEXOSIDASE DEFICIENCY; Fabry's disease; Angiokeratoma corporis diffusum; Ceramide trihexosidosis. Identifiers: Orphanet 324, MedGen C0002986, MONDO:0010526, OMIM 301500, HP:0001071. Disease mechanism: loss of function, Fabry disease is due to inactivating mutations in the X-linked GLA gene resulting in deficiency of the enzyme Alpha Galactosidase-A..
Migalastat response. Also called: 1-Deoxygalactonojirimycin response; Galafold response. Identifiers: MedGen CN233149.

Submissions (3):

Genomenon, Inc
Classification: Likely pathogenic for Fabry disease. Last evaluated: 2026-09-08. Review status: criteria provided, single submitter. Criteria: Genomenon Sequence Variant Interpretation Standards - Updated. Collection method: curation. Allele origin: germline. Affected: yes.
Comment: GLA p.Ile317Ser (c.950T>G) is a missense variant that changes the amino acid at codon 317 from Isoleucine to Serine. This variant has been observed in at least one proband with clinical features consistent with Fabry disease (PMID:22551898). At least one functional study has demonstrated a substantial alteration in protein function relative to the wild-type (PMID:32023956;26415523;27657681). It is absent or not present at a significant frequency in gnomAD. In silico models predict that this variant is possibly or probably damaging. In conclusion, we classify GLA p.Ile317Ser (c.950T>G) as a likely pathogenic variant.

Albrecht-Kossel-Institute, Medical University Rostock
Classification: Pathogenic for Fabry's disease. Last evaluated: 2014-01-01. Review status: no assertion criteria provided. Collection method: research. Allele origin: inherited. Not counted in ClinVar's aggregate classification.

Albrecht-Kossel-Institute, Medical University Rostock
Classification: drug response for deoxygalactonojirimycin response. Last evaluated: 2014-01-01. Review status: no assertion criteria provided. Collection method: research. Allele origin: inherited. Not counted in ClinVar's aggregate classification.

Literature cited by the submitters: PubMed 22551898 (cited by Genomenon, Inc); PubMed 32023956 (cited by Genomenon, Inc); PubMed 26415523 (cited by Genomenon, Inc and Albrecht-Kossel-Institute, Medical University Rostock); PubMed 27657681 (cited by Genomenon, Inc).

NM_000169.3(GLA):c.950T>G (p.Ile317Ser)

Genes: GLA (galactosidase alpha; minus strand), RPL36A-HNRNPH2 (RPL36A-HNRNPH2 readthrough; plus strand). Cytogenetic location: Xq22.1.
Variant type: single nucleotide variant.
Coding change: c.950T>G on transcript NM_000169.3 (MANE Select); coding-DNA position 950, T replaced by G.
Protein change: p.Ile317Ser; replaces isoleucine 317 with serine.
Molecular consequence: missense variant. On other transcripts: non-coding transcript variant (3), intron variant (2).
Genome position (GRCh38, 1-based): chrX:101,398,419, A>C on the plus strand (T>G on the coding strand, the complement: GLA is on the minus strand). VCF-style: chrX-101398419-A-C. GRCh37 (hg19) VCF-style: chrX-100653407-A-C.
Other names: c.1073T>G, p.Ile358Ser (NM_001406747.1); c.950T>G, p.Ile317Ser (NM_001406748.1); c.300+2962A>C (NM_001199973.2); c.177+6597A>C (NM_001199974.2); short protein forms I317S, I358S.
Identifiers: ClinVar variation 217405 (VCV000217405.3), dbSNP rs869312158, ClinGen allele CA353236.